The following is an entry in ClinVar:

ClinVar aggregate classification (germline): Uncertain significance (1 of 4 stars; one submission).

Conditions:
Aicardi-Goutieres syndrome 6 (AGS6). Identifiers: Orphanet 51, MedGen C3539013, MONDO:0014007, OMIM 615010.
Symmetrical dyschromatosis of extremities (DSH). Also called: DYSCHROMATOSIS SYMMETRICA HEREDITARIA 1; RETICULATE ACROPIGMENTATION OF DOHI; SYMMETRIC DYSCHROMATOSIS OF THE EXTREMITIES; Dyschromatosis symmetrica hereditaria. Identifiers: Orphanet 41, MedGen C0406775, MONDO:0007483, OMIM 127400.

Submission:

Labcorp Genetics (formerly Invitae), Labcorp
Classification: Uncertain significance for Aicardi-Goutieres syndrome 6; Symmetrical dyschromatosis of extremities. Last evaluated: 2025-09-14. Review status: criteria provided, single submitter. Criteria: Invitae Variant Classification Sherloc (09022015). Collection method: clinical testing. Allele origin: germline.
Comment: This sequence change replaces glycine, which is neutral and non-polar, with arginine, which is basic and polar, at codon 153 of the ADAR protein (p.Gly153Arg). This variant is not present in population databases (gnomAD no frequency). This variant has not been reported in the literature in individuals affected with ADAR-related conditions. An algorithm developed to predict the effect of missense changes on protein structure and function outputs the following: PolyPhen-2: "Benign". The arginine amino acid residue is found in multiple mammalian species, which suggests that this missense change does not adversely affect protein function. In summary, the available evidence is currently insufficient to determine the role of this variant in disease. Therefore, it has been classified as a Variant of Uncertain Significance.

NM_001111.5(ADAR):c.457G>C (p.Gly153Arg)

Gene: ADAR (adenosine deaminase RNA specific; minus strand). Cytogenetic location: 1q21.3.
Variant type: single nucleotide variant.
Coding change: c.457G>C on transcript NM_001111.5 (MANE Select); coding-DNA position 457, G replaced by C.
Protein change: p.Gly153Arg; replaces glycine 153 with arginine.
Molecular consequence: missense variant. On other transcripts: 5 prime UTR variant (6).
Genome position (GRCh38, 1-based): chr1:154,602,185, C>G on the plus strand (G>C on the coding strand, the complement: ADAR is on the minus strand). VCF-style: chr1-154602185-C-G. GRCh37 (hg19) VCF-style: chr1-154574661-C-G.
Other names: c.-429G>C (NM_001025107.3, NM_001193495.2, NM_001365046.1 and 3 more transcripts); c.484G>C, p.Gly162Arg (NM_001365045.1); c.457G>C, p.Gly153Arg (NM_015840.4, NM_015841.4); short protein forms G162R, G153R.
Identifiers: ClinVar variation 4786131 (VCV004786131.1).